The following is an entry in ClinVar:

ClinVar aggregate classification (germline): Uncertain significance (1 of 4 stars; one submission).

Allele frequency attached by ClinVar (database versions not stated): TOPMed below 0.00001.

Submission:

GeneDx
Classification: Uncertain significance. Last evaluated: 2019-07-09. Review status: criteria provided, single submitter. Criteria: GeneDx Variant Classification Process June 2021. Collection method: clinical testing. Allele origin: germline. Affected: yes.
Comment: Not observed in large population cohorts (Lek et al., 2016); In silico analysis, which includes protein predictors and evolutionary conservation, supports a deleterious effect; Has not been previously published as pathogenic or benign to our knowledge

NM_005422.4(TECTA):c.1955G>A (p.Cys652Tyr)

Genes: TBCEL-TECTA (TBCEL-TECTA readthrough; plus strand), TECTA (tectorin alpha; plus strand). Cytogenetic location: 11q23.3.
Variant type: single nucleotide variant.
Coding change: c.1955G>A on transcript NM_005422.4 (MANE Select); coding-DNA position 1955, G replaced by A.
Protein change: p.Cys652Tyr; replaces cysteine 652 with tyrosine.
Molecular consequence: missense variant.
Genome position (GRCh38, 1-based): chr11:121,127,932, G>A. VCF-style: chr11-121127932-G-A. GRCh37 (hg19) VCF-style: chr11-120998641-G-A.
Other names: c.2912G>A, p.Cys971Tyr (NM_001378761.1); short protein forms C652Y, C971Y.
Identifiers: ClinVar variation 1306844 (VCV001306844.2), dbSNP rs1946630000, ClinGen allele CA383013843.